The following is an entry in ClinVar:

ClinVar aggregate classification (germline): Likely pathogenic. Review status: criteria provided, multiple submitters, no conflicts (2 of 4 stars). 2 submissions from 2 submitters: Likely pathogenic (2). Last evaluated 2024-07-26.

Conditions:
Hereditary cancer-predisposing syndrome. Also called: Tumor predisposition; Hereditary Cancer Syndrome; Neoplastic Syndromes, Hereditary; Hereditary neoplastic syndrome. Identifiers: Orphanet 140162, MedGen C0027672, MeSH D009386, MONDO:0015356.
BAP1-related tumor predisposition syndrome (TPDS1). Also called: Tumor susceptibility linked to germline BAP1 mutations; BAP1 tumor predisposition syndrome; COMMON Syndrome; TUMOR PREDISPOSITION SYNDROME 1. Identifiers: Orphanet 289539, MedGen C3280492, MONDO:0013692, OMIM 614327.

Submissions (2):

Labcorp Genetics (formerly Invitae), Labcorp
Classification: Likely pathogenic for BAP1-related tumor predisposition syndrome. Last evaluated: 2024-07-26. Review status: criteria provided, single submitter. Criteria: Invitae Variant Classification Sherloc (09022015). Collection method: clinical testing. Allele origin: germline.
Comment: This sequence change affects an acceptor splice site in intron 6 of the BAP1 gene. It is expected to disrupt RNA splicing. Variants that disrupt the donor or acceptor splice site typically lead to a loss of protein function (PMID: 16199547), and loss-of-function variants in BAP1 are known to be pathogenic (PMID: 21874000, 23684012). This variant is not present in population databases (gnomAD no frequency). This variant has not been reported in the literature in individuals affected with BAP1-related conditions. ClinVar contains an entry for this variant (Variation ID: 1332356). Algorithms developed to predict the effect of sequence changes on RNA splicing suggest that this variant may disrupt the consensus splice site. In summary, the currently available evidence indicates that the variant is pathogenic, but additional data are needed to prove that conclusively. Therefore, this variant has been classified as Likely Pathogenic.

Color Diagnostics, LLC DBA Color Health
Classification: Likely pathogenic for Hereditary cancer-predisposing syndrome. Last evaluated: 2021-06-01. Review status: criteria provided, single submitter. Criteria: ACMG Guidelines, 2015. Collection method: clinical testing. Allele origin: germline.
Comment: This variant causes a G to A nucleotide substitution at the -1 position of intron 6 of the BAP1 gene. Splice site prediction tools predict that this variant may have a significant impact on RNA splicing. Although this prediction has not been confirmed in published RNA studies, this variant is expected to result in an absent or disrupted protein product. This variant has not been reported in individuals affected with hereditary cancer in the literature. This variant has not been identified in the general population by the Genome Aggregation Database (gnomAD). Loss of BAP1 function is a known mechanism of disease. Based on the available evidence, this variant is classified as Likely Pathogenic.

Literature cited by the submitters: PubMed 16199547 (cited by Labcorp Genetics (formerly Invitae), Labcorp); PubMed 21874000 (cited by Labcorp Genetics (formerly Invitae), Labcorp); PubMed 23684012 (cited by Labcorp Genetics (formerly Invitae), Labcorp).

NM_004656.4(BAP1):c.438-1G>A

Gene: BAP1 (BRCA1 associated deubiquitinase 1; minus strand). Cytogenetic location: 3p21.1.
Variant type: single nucleotide variant.
Coding change: c.438-1G>A on transcript NM_004656.4 (MANE Select); the canonical splice acceptor site of the intron before coding-DNA position 438, G replaced by A.
Molecular consequence: splice acceptor variant.
Genome position (GRCh38, 1-based): chr3:52,407,317, C>T on the plus strand (G>A on the coding strand, the complement: BAP1 is on the minus strand). VCF-style: chr3-52407317-C-T. GRCh37 (hg19) VCF-style: chr3-52441333-C-T.
Other names: c.438-1G>A (NM_001410772.1).
Identifiers: ClinVar variation 1332356 (VCV001332356.4), dbSNP rs2153227879, ClinGen allele CA353110529.